The following is an entry in ClinVar:

ClinVar aggregate classification (germline): Pathogenic (0 of 4 stars; one submission).

Conditions:
Pyruvate dehydrogenase E1-alpha deficiency (PDHAD). Also called: ATAXIA, INTERMITTENT, WITH PYRUVATE DEHYDROGENASE DEFICIENCY; ATAXIA WITH LACTIC ACIDOSIS I; ATAXIA, INTERMITTENT, WITH ABNORMAL PYRUVATE METABOLISM; Ataxia, intermittent, with pyruvate dehydrogenase, or decarboxylase, deficiency. Identifiers: Orphanet 79243, MedGen C1839413, MONDO:0010717, OMIM 312170.

Submission:

PDHA1 Study Group, University Children’s Hospital, Paracelsus Medical University
Classification: Pathogenic for Pyruvate dehydrogenase E1-alpha deficiency. Last evaluated: 2024-10-15. Review status: no assertion criteria provided. Collection method: research. Allele origin: de novo. Affected: yes. Observed: 1 variant allele.
Comment: The NM_000284.3:c.511G>C (p.Val171Leu) substitution is a missense variant in PDHA1 gene. Among them, 1 case had confirmed de novo occurrence. Last literature search: July 12, 2024. This variant is absent or extremely rare in population-based cohorts in the Genome Aggregation Database (gnomAD). Individuals harboring this variant presented with clinical features compatible with PDHA1-related PDHc deficiency. In summary, this variant meets criteria to be classified as pathogenic (P) for PDHA1-related PDHc deficiency based on the ACMG/AMP criteria applied: PS2, PM1, PM2, PM5, PP3 (last assessment October 15, 2024).

Literature cited by the submitters: DOI 10.1093/brain/awaf430.

NM_000284.4(PDHA1):c.511G>C (p.Val171Leu)

Gene: PDHA1 (pyruvate dehydrogenase E1 subunit alpha 1; plus strand). Cytogenetic location: Xp22.12.
Variant type: single nucleotide variant.
Coding change: c.511G>C on transcript NM_000284.4 (MANE Select); coding-DNA position 511, G replaced by C.
Protein change: p.Val171Leu; replaces valine 171 with leucine.
Molecular consequence: missense variant. On other transcripts: intron variant (1).
Genome position (GRCh38, 1-based): chrX:19,354,491, G>C. VCF-style: chrX-19354491-G-C. GRCh37 (hg19) VCF-style: chrX-19372609-G-C.
Other names: c.625G>C, p.Val209Leu (NM_001173454.2); c.532G>C, p.Val178Leu (NM_001173455.2); c.511-858G>C (NM_001173456.2); short protein forms V171L, V178L, V209L.
Identifiers: ClinVar variation 4070335 (VCV004070335.1).